The following is an entry in ClinVar:

ClinVar aggregate classification (germline): Uncertain significance. Review status: criteria provided, multiple submitters, no conflicts (2 of 4 stars). 2 submissions from 2 submitters: Uncertain significance (2). Last evaluated 2022-11-03.

Conditions:
Rhabdoid tumor predisposition syndrome 2 (RTPS2). Identifiers: Orphanet 231108, Orphanet 69077, MedGen C2750074, MONDO:0013224, OMIM 613325.

Submissions (2):

GeneDx
Classification: Uncertain significance. Last evaluated: 2022-11-03. Review status: criteria provided, single submitter. Criteria: GeneDx Variant Classification Process June 2021. Collection method: clinical testing. Allele origin: germline. Affected: yes.
Comment: Not observed at significant frequency in large population cohorts (gnomAD); In silico analysis supports that this missense variant has a deleterious effect on protein structure/function; Has not been previously published as pathogenic or benign to our knowledge; This variant is associated with the following publications: (PMID: 24658002)

Labcorp Genetics (formerly Invitae), Labcorp
Classification: Uncertain significance for Rhabdoid tumor predisposition syndrome 2. Last evaluated: 2022-07-05. Review status: criteria provided, single submitter. Criteria: Invitae Variant Classification Sherloc (09022015). Collection method: clinical testing. Allele origin: germline.
Comment: In summary, the available evidence is currently insufficient to determine the role of this variant in disease. Therefore, it has been classified as a Variant of Uncertain Significance. Algorithms developed to predict the effect of missense changes on protein structure and function (SIFT, PolyPhen-2, Align-GVGD) all suggest that this variant is likely to be disruptive. This variant has not been reported in the literature in individuals affected with SMARCA4-related conditions. This variant is not present in population databases (gnomAD no frequency). This sequence change replaces arginine, which is basic and polar, with leucine, which is neutral and non-polar, at codon 1009 of the SMARCA4 protein (p.Arg1009Leu).

NM_003072.5(SMARCA4):c.3026G>T (p.Arg1009Leu)

Gene: SMARCA4 (SWI/SNF related BAF chromatin remodeling complex subunit ATPase 4; plus strand). Cytogenetic location: 19p13.2.
Variant type: single nucleotide variant.
Coding change: c.3026G>T on transcript NM_003072.5 (MANE Select); coding-DNA position 3026, G replaced by T.
Protein change: p.Arg1009Leu; replaces arginine 1009 with leucine.
Molecular consequence: missense variant. On other transcripts: non-coding transcript variant (1).
Genome position (GRCh38, 1-based): chr19:11,024,383, G>T. VCF-style: chr19-11024383-G-T. GRCh37 (hg19) VCF-style: chr19-11135059-G-T.
Other names: c.3026G>T, p.Arg1009Leu (NM_001128844.3, NM_001128845.2, NM_001128846.2 and 6 more transcripts); c.3026G>T (NM_001128849.1); short protein forms R1009L.
Identifiers: ClinVar variation 2014258 (VCV002014258.5), dbSNP rs2146473961, ClinGen allele CA404058984.